The following is an entry in ClinVar:

ClinVar aggregate classification (germline): Uncertain significance (1 of 4 stars; one submission).

Submission:

Labcorp Genetics (formerly Invitae), Labcorp
Classification: Uncertain significance. Last evaluated: 2024-10-02. Review status: criteria provided, single submitter. Criteria: Invitae Variant Classification Sherloc (09022015). Collection method: clinical testing. Allele origin: germline.
Comment: This sequence change replaces proline, which is neutral and non-polar, with serine, which is neutral and polar, at codon 2267 of the VCAN protein (p.Pro2267Ser). This variant is not present in population databases (gnomAD no frequency). This variant has not been reported in the literature in individuals affected with VCAN-related conditions. An algorithm developed to predict the effect of missense changes on protein structure and function outputs the following: PolyPhen-2: "Benign". The serine amino acid residue is found in multiple mammalian species, which suggests that this missense change does not adversely affect protein function. In summary, the available evidence is currently insufficient to determine the role of this variant in disease. Therefore, it has been classified as a Variant of Uncertain Significance.

NM_004385.5(VCAN):c.6799C>T (p.Pro2267Ser)

Genes: VCAN (versican; plus strand), VCAN-AS1 (VCAN antisense RNA 1; minus strand). Cytogenetic location: 5q14.3.
Variant type: single nucleotide variant.
Coding change: c.6799C>T on transcript NM_004385.5 (MANE Select); coding-DNA position 6799, C replaced by T.
Protein change: p.Pro2267Ser; replaces proline 2267 with serine.
Molecular consequence: missense variant. On other transcripts: intron variant (2).
Genome position (GRCh38, 1-based): chr5:83,539,802, C>T. VCF-style: chr5-83539802-C-T. GRCh37 (hg19) VCF-style: chr5-82835621-C-T.
Other names: c.3838C>T, p.Pro1280Ser (NM_001164097.2); c.4004-5735C>T (NM_001164098.2); c.1043-5735C>T (NM_001126336.3); short protein forms P1280S, P2267S.
Identifiers: ClinVar variation 3698838 (VCV003698838.2).